The following is an entry in ClinVar:

ClinVar aggregate classification (germline): Uncertain significance (1 of 4 stars; one submission).

Submission:

Labcorp Genetics (formerly Invitae), Labcorp
Classification: Uncertain significance. Last evaluated: 2025-10-26. Review status: criteria provided, single submitter. Criteria: Invitae Variant Classification Sherloc (09022015). Collection method: clinical testing. Allele origin: germline.
Comment: This sequence change replaces proline, which is neutral and non-polar, with threonine, which is neutral and polar, at codon 893 of the COL11A2 protein (p.Pro893Thr). This variant is not present in population databases (gnomAD no frequency). This variant has not been reported in the literature in individuals affected with COL11A2-related conditions. ClinVar contains an entry for this variant (Variation ID: 3635253). Invitae Evidence Modeling of protein sequence and biophysical properties (such as structural, functional, and spatial information, amino acid conservation, physicochemical variation, residue mobility, and thermodynamic stability) indicates that this missense variant is not expected to disrupt COL11A2 protein function with a negative predictive value of 95%. In summary, the available evidence is currently insufficient to determine the role of this variant in disease. Therefore, it has been classified as a Variant of Uncertain Significance.

NM_080680.3(COL11A2):c.2677C>A (p.Pro893Thr)

Gene: COL11A2 (collagen type XI alpha 2 chain; minus strand). Cytogenetic location: 6p21.32.
Variant type: single nucleotide variant.
Coding change: c.2677C>A on transcript NM_080680.3 (MANE Select); coding-DNA position 2677, C replaced by A.
Protein change: p.Pro893Thr; replaces proline 893 with threonine.
Molecular consequence: missense variant.
Genome position (GRCh38, 1-based): chr6:33,173,507, G>T on the plus strand (C>A on the coding strand, the complement: COL11A2 is on the minus strand). VCF-style: chr6-33173507-G-T. GRCh37 (hg19) VCF-style: chr6-33141284-G-T.
Other names: c.2497C>A, p.Pro833Thr (NM_001424108.1); c.1831C>A, p.Pro611Thr (NM_001424109.1); c.1651C>A, p.Pro551Thr (NM_001424110.1, NM_001424111.1); c.631C>A, p.Pro211Thr (NM_001424112.1); c.2356C>A, p.Pro786Thr (NM_080679.3); c.2419C>A, p.Pro807Thr (NM_080681.3); short protein forms P211T, P551T, P893T, P611T, P786T, P807T, P833T.
Identifiers: ClinVar variation 3635253 (VCV003635253.2).